The following is an entry in ClinVar:

NM_003850.3(SUCLA2):c.617A>G (p.Glu206Gly)

Gene: SUCLA2 (succinate-CoA ligase ADP-forming subunit beta; minus strand). Cytogenetic location: 13q14.2.
Variant type: single nucleotide variant.
Coding change: c.617A>G on transcript NM_003850.3 (MANE Select); coding-DNA position 617, A replaced by G.
Protein change: p.Glu206Gly; replaces glutamic acid 206 with glycine.
Molecular consequence: missense variant.
Genome position (GRCh38, 1-based): chr13:47,973,310, T>C on the plus strand (A>G on the coding strand, the complement: SUCLA2 is on the minus strand). VCF-style: chr13-47973310-T-C. GRCh37 (hg19) VCF-style: chr13-48547445-T-C.
Other names: p.E206G:GAA>GGA; p.Glu206Gly; short protein forms E206G.
Identifiers: ClinVar variation 203956 (VCV000203956.61), dbSNP rs141647723, ClinGen allele CA313020.

ClinVar aggregate classification (germline): Conflicting classifications of pathogenicity. Review status: criteria provided, conflicting classifications (1 of 4 stars). 9 submissions from 9 submitters: Uncertain significance (8); Likely benign (1). Last evaluated 2026-01-27.

Conditions:
SUCLA2-related disorder. Also called: SUCLA2-related condition.
Inborn genetic diseases. Identifiers: MedGen C0950123, MeSH D030342.
Mitochondrial DNA depletion syndrome, encephalomyopathic form with methylmalonic aciduria (MTDPS5). Also called: MITOCHONDRIAL DNA DEPLETION SYNDROME, ENCEPHALOMYOPATHIC FORM, WITH OR WITHOUT METHYLMALONIC ACIDURIA, AUTOSOMAL RECESSIVE, SUCLA2-RELATED; Mitochondrial DNA depletion syndrome 5 (encephalomyopathic with or without methylmalonic aciduria); SUCLA2-Related Mitochondrial DNA Depletion Syndrome, Encephalomyopathic Form with Methylmalonic Aciduria; Mitochondrial encephalomyopathy aminoacidopathy. Identifiers: Orphanet 1933, MedGen C5980207, MONDO:0012791, OMIM 612073.

Allele frequency attached by ClinVar (database versions not stated): 1000 Genomes Project 30x 0.00031; 1000 Genomes Project 0.00040; gnomAD exomes 0.00054 and 0.00131; ExAC 0.00058; gnomAD 0.00070 and 0.00074; TOPMed 0.00086; ESP Exome Variant Server 0.00100.

Submissions (9):

PreventionGenetics, part of Exact Sciences
Classification: Likely benign for SUCLA2-related condition. Last evaluated: 2026-01-27. Review status: criteria provided, single submitter. Criteria: ACMG Guidelines, 2015. Collection method: clinical testing. Allele origin: germline.
Comment: This variant is classified as likely benign based on ACMG/AMP sequence variant interpretation guidelines (Richards et al. 2015 PMID: 25741868, with internal and published modifications).

Mayo Clinic Laboratories, Mayo Clinic
Classification: Uncertain significance. Last evaluated: 2025-11-04. Review status: criteria provided, single submitter. Criteria: ACMG Guidelines, 2015. Collection method: clinical testing. Allele origin: germline. Observed: 6 variant alleles.

Ambry Genetics
Classification: Uncertain significance for Inborn genetic diseases. Last evaluated: 2025-03-07. Review status: criteria provided, single submitter. Criteria: Ambry Variant Classification Scheme 2023. Collection method: clinical testing. Allele origin: germline.
Comment: The c.617A>G (p.E206G) alteration is located in exon 5 (coding exon 5) of the SUCLA2 gene. This alteration results from a A to G substitution at nucleotide position 617, causing the glutamic acid (E) at amino acid position 206 to be replaced by a glycine (G). The p.E206G alteration is predicted to be tolerated by in silico analysis. Based on insufficient or conflicting evidence, the clinical significance of this alteration remains unclear.

GeneDx
Classification: Uncertain significance. Last evaluated: 2025-02-08. Review status: criteria provided, single submitter. Criteria: GeneDx Variant Classification Process June 2021. Collection method: clinical testing. Allele origin: germline. Affected: yes.
Comment: In silico analysis supports that this missense variant has a deleterious effect on protein structure/function; Has not been previously published as pathogenic or benign to our knowledge

Blueprint Genetics
Classification: Uncertain significance. Last evaluated: 2024-10-10. Review status: criteria provided, single submitter. Criteria: ACMG Guidelines, 2015. Collection method: clinical testing. Allele origin: germline.

Fulgent Genetics
Classification: Uncertain significance for Mitochondrial DNA depletion syndrome, encephalomyopathic form with methylmalonic aciduria. Last evaluated: 2024-01-30. Review status: criteria provided, single submitter. Criteria: ACMG Guidelines, 2015. Collection method: clinical testing. Allele origin: germline.

Labcorp Genetics (formerly Invitae), Labcorp
Classification: Uncertain significance for Mitochondrial DNA depletion syndrome, encephalomyopathic form with methylmalonic aciduria. Last evaluated: 2022-09-13. Review status: criteria provided, single submitter. Criteria: Invitae Variant Classification Sherloc (09022015). Collection method: clinical testing. Allele origin: germline.
Comment: This sequence change replaces glutamic acid, which is acidic and polar, with glycine, which is neutral and non-polar, at codon 206 of the SUCLA2 protein (p.Glu206Gly). This variant is present in population databases (rs141647723, gnomAD 0.1%), and has an allele count higher than expected for a pathogenic variant. This variant has not been reported in the literature in individuals affected with SUCLA2-related conditions. ClinVar contains an entry for this variant (Variation ID: 203956). Advanced modeling of protein sequence and biophysical properties (such as structural, functional, and spatial information, amino acid conservation, physicochemical variation, residue mobility, and thermodynamic stability) performed at Invitae indicates that this missense variant is not expected to disrupt SUCLA2 protein function. In summary, the available evidence is currently insufficient to determine the role of this variant in disease. Therefore, it has been classified as a Variant of Uncertain Significance.

Revvity Omics, Revvity
Classification: Uncertain significance for Mitochondrial DNA depletion syndrome, encephalomyopathic form with methylmalonic aciduria. Last evaluated: 2020-07-31. Review status: criteria provided, single submitter. Criteria: ACMG Guidelines, 2015. Collection method: clinical testing. Allele origin: germline.

Illumina Laboratory Services, Illumina
Classification: Uncertain significance for Mitochondrial DNA depletion syndrome, encephalomyopathic form with methylmalonic aciduria. Last evaluated: 2018-01-13. Review status: criteria provided, single submitter. Criteria: ICSL Variant Classification Criteria 13 December 2019. Collection method: clinical testing. Allele origin: germline.